The following is an entry in ClinVar:

NM_004130.4(GYG1):c.487G>A (p.Asp163Asn)

Gene: GYG1 (glycogenin 1; plus strand). Cytogenetic location: 3q24.
Variant type: single nucleotide variant.
Coding change: c.487G>A on transcript NM_004130.4 (MANE Select); coding-DNA position 487, G replaced by A.
Protein change: p.Asp163Asn; replaces aspartic acid 163 with asparagine.
Molecular consequence: missense variant.
Genome position (GRCh38, 1-based): chr3:149,009,281, G>A. VCF-style: chr3-149009281-G-A. GRCh37 (hg19) VCF-style: chr3-148727068-G-A.
Other names: c.487G>A, p.Asp163Asn (NM_001184720.2, NM_001184721.2); short protein forms D163N.
Identifiers: ClinVar variation 1357468 (VCV001357468.6), dbSNP rs2107902685, ClinGen allele CA354904885.
Genomic context (GRCh38, chr3:149,009,281, plus strand): 5'-AATTATTAAACTGTCTAGAGATCTGTTAACTAATTTATATATTTTTTTCTTTTAGGTGGG[G>A]ACCAAGGCATACTGAACACATTTTTTAGCAGCTGGGCAACAACAGATATCAGAAAACACC-3'
Protein context (NP_004121.2, residues 153-173): ASEQGSFDGG[Asp163Asn]QGILNTFFSS

ClinVar aggregate classification (germline): Uncertain significance (1 of 4 stars; one submission).

Conditions:
Glycogen storage disease XV (GSD15). Also called: GLYCOGENIN DEFICIENCY; GSD XV. Identifiers: Orphanet 263297, MedGen C3150754, MONDO:0013291, OMIM 613507.
Polyglucosan body myopathy type 2. Identifiers: Orphanet 456369, MedGen C4015452, MONDO:0014526, OMIM 616199.

Submission:

Labcorp Genetics (formerly Invitae), Labcorp
Classification: Uncertain significance for Polyglucosan body myopathy type 2; Glycogen storage disease XV. Last evaluated: 2023-04-05. Review status: criteria provided, single submitter. Criteria: Invitae Variant Classification Sherloc (09022015). Collection method: clinical testing. Allele origin: germline.
Comment: In summary, the available evidence is currently insufficient to determine the role of this variant in disease. Therefore, it has been classified as a Variant of Uncertain Significance. Advanced modeling of protein sequence and biophysical properties (such as structural, functional, and spatial information, amino acid conservation, physicochemical variation, residue mobility, and thermodynamic stability) performed at Invitae indicates that this missense variant is expected to disrupt GYG1 protein function. ClinVar contains an entry for this variant (Variation ID: 1357468). This variant has not been reported in the literature in individuals affected with GYG1-related conditions. This variant is not present in population databases (gnomAD no frequency). This sequence change replaces aspartic acid, which is acidic and polar, with asparagine, which is neutral and polar, at codon 163 of the GYG1 protein (p.Asp163Asn).